The following is an entry in ClinVar:

NM_000264.5(PTCH1):c.1728+3G>A

Gene: PTCH1 (patched 1; minus strand). Cytogenetic location: 9q22.32.
Variant type: single nucleotide variant.
Coding change: c.1728+3G>A on transcript NM_000264.5 (MANE Select); 3 bases into the intron after coding-DNA position 1728, G replaced by A.
Molecular consequence: intron variant.
Genome position (GRCh38, 1-based): chr9:95,476,031, C>T on the plus strand (G>A on the coding strand, the complement: PTCH1 is on the minus strand). VCF-style: chr9-95476031-C-T. GRCh37 (hg19) VCF-style: chr9-98238313-C-T.
Other names: c.1725+3G>A (NM_001083603.3); c.1530+3G>A (NM_001083602.3); c.1572+3G>A (NM_001354918.2); c.1275+3G>A (NM_001083605.3, NM_001083604.3, NM_001083606.3 and 1 more transcripts); c.1728+3G>A (NM_000264.3).
Identifiers: ClinVar variation 2902131 (VCV002902131.4), dbSNP rs1588596061, ClinGen allele CA1126983100.

ClinVar aggregate classification (germline): Uncertain significance. Review status: criteria provided, multiple submitters, no conflicts (2 of 4 stars). 2 submissions from 2 submitters: Uncertain significance (2). Last evaluated 2024-08-07.

Conditions:
Hereditary cancer-predisposing syndrome. Also called: Hereditary Cancer Syndrome; Tumor predisposition; Neoplastic Syndromes, Hereditary; Hereditary neoplastic syndrome. Identifiers: Orphanet 140162, MedGen C0027672, MeSH D009386, MONDO:0015356.
Gorlin syndrome. Also called: Basal cell nevus syndrome; Nevoid Basal Cell Carcinoma Syndrome. Identifiers: Orphanet 377, MedGen C0004779, MONDO:0007187.

Allele frequency attached by ClinVar (database versions not stated): TOPMed below 0.00001; gnomAD 0.00001.
gnomAD v4.1: 1 of 1,613,544 alleles (0.000062%); highest among the groups gnomAD compares: African/African-American, 0.0013%; no homozygotes.

Submissions (2):

Ambry Genetics
Classification: Uncertain significance for Hereditary cancer-predisposing syndrome. Last evaluated: 2024-08-07. Review status: criteria provided, single submitter. Criteria: Ambry Variant Classification Scheme 2023. Collection method: clinical testing. Allele origin: germline.
Comment: The c.1728+3G>A intronic variant results from a G to A substitution 3 nucleotides after coding exon 12 in the PTCH1 gene. This nucleotide position is not well conserved in available vertebrate species. In silico splice site analysis predicts that this alteration will not have any significant effect on splicing. Based on the available evidence, the clinical significance of this variant remains unclear.

Labcorp Genetics (formerly Invitae), Labcorp
Classification: Uncertain significance for Gorlin syndrome. Last evaluated: 2023-05-23. Review status: criteria provided, single submitter. Criteria: Invitae Variant Classification Sherloc (09022015). Collection method: clinical testing. Allele origin: germline.
Comment: This sequence change falls in intron 12 of the PTCH1 gene. It does not directly change the encoded amino acid sequence of the PTCH1 protein. It affects a nucleotide within the consensus splice site. This variant is not present in population databases (gnomAD no frequency). This variant has not been reported in the literature in individuals affected with PTCH1-related conditions. Variants that disrupt the consensus splice site are a relatively common cause of aberrant splicing (PMID: 17576681, 9536098). Algorithms developed to predict the effect of sequence changes on RNA splicing suggest that this variant is not likely to affect RNA splicing. In summary, the available evidence is currently insufficient to determine the role of this variant in disease. Therefore, it has been classified as a Variant of Uncertain Significance.

Literature cited by the submitters: PubMed 17576681 (cited by Labcorp Genetics (formerly Invitae), Labcorp); PubMed 9536098 (cited by Labcorp Genetics (formerly Invitae), Labcorp).